The following is an entry in ClinVar:

ClinVar aggregate classification (germline): Uncertain significance. Review status: criteria provided, multiple submitters, no conflicts (2 of 4 stars). 2 submissions from 2 submitters: Uncertain significance (2). Last evaluated 2026-01-07.

Conditions:
Inborn genetic diseases. Identifiers: MedGen C0950123, MeSH D030342.

Allele frequency attached by ClinVar (database versions not stated): gnomAD exomes 0.00001; TOPMed 0.00001.
gnomAD v4.1: 12 of 1,599,034 alleles (0.00075%); highest among the groups gnomAD compares: East Asian, 0.0067%; no homozygotes.

Submissions (2):

GeneDx
Classification: Uncertain significance. Last evaluated: 2026-01-07. Review status: criteria provided, single submitter. Criteria: GeneDx Variant Classification Process June 2021. Collection method: clinical testing. Allele origin: germline.
Comment: Not observed at significant frequency in large population cohorts (gnomAD); In silico analysis supports that this missense variant has a deleterious effect on protein structure/function; Has not been previously published as pathogenic or benign to our knowledge

Ambry Genetics
Classification: Uncertain significance for Inborn genetic diseases. Last evaluated: 2023-03-23. Review status: criteria provided, single submitter. Criteria: Ambry Variant Classification Scheme 2023. Collection method: clinical testing. Allele origin: germline.

NM_198252.3(GSN):c.1723C>T (p.Arg575Trp)

Gene: GSN (gelsolin; plus strand). Cytogenetic location: 9q33.2.
Variant type: single nucleotide variant.
Coding change: c.1723C>T on transcript NM_198252.3 (MANE Select); coding-DNA position 1723, C replaced by T.
Protein change: p.Arg575Trp; replaces arginine 575 with tryptophan.
Molecular consequence: missense variant.
Genome position (GRCh38, 1-based): chr9:121,327,443, C>T. VCF-style: chr9-121327443-C-T. GRCh37 (hg19) VCF-style: chr9-124089721-C-T.
Other names: c.1876C>T, p.Arg626Trp (NM_000177.5); c.1723C>T, p.Arg575Trp (NM_001127662.2, NM_001127664.2, NM_001127665.2 and 10 more transcripts); c.1831C>T, p.Arg611Trp (NM_001127663.2); c.1756C>T, p.Arg586Trp (NM_001127666.2, NM_001127667.2, NM_001353063.2 and 13 more transcripts); c.1774C>T, p.Arg592Trp (NM_001258029.2); c.1747C>T, p.Arg583Trp (NM_001258030.2); c.1795C>T, p.Arg599Trp (NM_001353076.2); c.1069C>T, p.Arg357Trp (NM_001353078.2); short protein forms R575W, R611W, R586W, R583W, R357W, R592W, R599W, R626W.
Identifiers: ClinVar variation 2528791 (VCV002528791.4), dbSNP rs1404195872, ClinGen allele CA374756036.